The following is an entry in ClinVar:

ClinVar aggregate classification (germline): Likely pathogenic (1 of 4 stars; one submission).

Conditions:
Jeune thoracic dystrophy. Also called: Jeune syndrome; Infantile thoracic dystrophy; Thoracic pelvic phalangeal dystrophy; Jeune's syndrome; Chondroectodermal dysplasia-like syndrome; Short-rib thoracic dysplasia. Identifiers: Orphanet 474, MedGen C0265275, MONDO:0018770.

Submission:

Labcorp Genetics (formerly Invitae), Labcorp
Classification: Likely pathogenic for Jeune thoracic dystrophy. Last evaluated: 2023-10-17. Review status: criteria provided, single submitter. Criteria: Invitae Variant Classification Sherloc (09022015). Collection method: clinical testing. Allele origin: germline.
Comment: This sequence change affects an acceptor splice site in intron 24 of the DYNC2H1 gene. It is expected to disrupt RNA splicing. Variants that disrupt the donor or acceptor splice site typically lead to a loss of protein function (PMID: 16199547), and loss-of-function variants in DYNC2H1 are known to be pathogenic (PMID: 23339108, 32753734, 33755199). This variant is not present in population databases (gnomAD no frequency). This variant has not been reported in the literature in individuals affected with DYNC2H1-related conditions. Algorithms developed to predict the effect of sequence changes on RNA splicing suggest that this variant may disrupt the consensus splice site. In summary, the currently available evidence indicates that the variant is pathogenic, but additional data are needed to prove that conclusively. Therefore, this variant has been classified as Likely Pathogenic.

Literature cited by the submitters: PubMed 16199547; PubMed 23339108; PubMed 32753734; PubMed 33755199.

NM_001377.3(DYNC2H1):c.3574-2A>G

Gene: DYNC2H1 (dynein cytoplasmic 2 heavy chain 1; plus strand). Cytogenetic location: 11q22.3.
Variant type: single nucleotide variant.
Coding change: c.3574-2A>G on transcript NM_001377.3 (MANE Select); the canonical splice acceptor site of the intron before coding-DNA position 3574, A replaced by G.
Molecular consequence: splice acceptor variant.
Genome position (GRCh38, 1-based): chr11:103,155,329, A>G. VCF-style: chr11-103155329-A-G. GRCh37 (hg19) VCF-style: chr11-103026058-A-G.
Other names: c.3574-2A>G (NM_001080463.2).
Identifiers: ClinVar variation 2769417 (VCV002769417.3), dbSNP rs2497053774, ClinGen allele CA382273729.